The following is an entry in ClinVar:

ClinVar aggregate classification (germline): Benign/Likely benign. Review status: criteria provided, multiple submitters, no conflicts (2 of 4 stars). 4 submissions from 4 submitters: Benign (1); Likely benign (3). Last evaluated 2025-07-01.

Conditions:
Retinal dystrophy. Also called: Inherited retinal dystrophy. Identifiers: Orphanet 71862, MedGen C0854723, MeSH D058499, MONDO:0019118, HP:0000556.
PRPF31-related disorder. Also called: PRPF31-related condition.

Allele frequency attached by ClinVar (database versions not stated): gnomAD exomes 0.00005 and 0.00006; gnomAD 0.00011 and 0.00012; ESP Exome Variant Server 0.00015; TOPMed 0.00017; ExAC 0.00019.
gnomAD v4.1: 94 of 1,574,000 alleles (0.006%); highest among the groups gnomAD compares: African/African-American, 0.028%; no homozygotes.

Submissions (4):

Labcorp Genetics (formerly Invitae), Labcorp
Classification: Likely benign. Last evaluated: 2025-07-01. Review status: criteria provided, single submitter. Criteria: Invitae Variant Classification Sherloc (09022015). Collection method: clinical testing. Allele origin: germline.

PreventionGenetics, part of Exact Sciences
Classification: Likely benign for PRPF31-related condition. Last evaluated: 2025-03-18. Review status: criteria provided, single submitter. Criteria: ACMG Guidelines, 2015. Collection method: clinical testing. Allele origin: germline.
Comment: This variant is classified as likely benign based on ACMG/AMP sequence variant interpretation guidelines (Richards et al. 2015 PMID: 25741868, with internal and published modifications).

Blueprint Genetics
Classification: Likely benign. Last evaluated: 2024-01-16. Review status: criteria provided, single submitter. Criteria: ACMG Guidelines, 2015. Collection method: clinical testing. Allele origin: germline.

Dept Of Ophthalmology, Nagoya University
Classification: Benign for Retinal dystrophy. Last evaluated: 2023-10-01. Review status: criteria provided, single submitter. Criteria: Submitter's publication. Collection method: research. Allele origin: germline. Affected: yes.

NM_015629.4(PRPF31):c.1158C>T (p.Asp386=)

Gene: PRPF31 (pre-mRNA processing factor 31; plus strand). Cytogenetic location: 19q13.42.
Variant type: single nucleotide variant.
Coding change: c.1158C>T on transcript NM_015629.4 (MANE Select); coding-DNA position 1158, C replaced by T.
Protein change: p.Asp386=; no amino-acid change (aspartic acid 386 retained).
Molecular consequence: synonymous variant.
Genome position (GRCh38, 1-based): chr19:54,129,068, C>T. VCF-style: chr19-54129068-C-T. GRCh37 (hg19) VCF-style: chr19-54632443-C-T.
Other names: c.1158C>T (NM_015629.3).
Identifiers: ClinVar variation 1645022 (VCV001645022.11), dbSNP rs147295591, ClinGen allele CA309330534.